The following is an entry in ClinVar:

NM_001365536.1(SCN9A):c.5420C>G (p.Ala1807Gly)

Genes: SCN1A-AS1 (SCN1A and SCN9A antisense RNA 1; plus strand), SCN9A (sodium voltage-gated channel alpha subunit 9; minus strand). Cytogenetic location: 2q24.3.
Variant type: single nucleotide variant.
Coding change: c.5420C>G on transcript NM_001365536.1 (MANE Select); coding-DNA position 5420, C replaced by G.
Protein change: p.Ala1807Gly; replaces alanine 1807 with glycine.
Molecular consequence: missense variant.
Genome position (GRCh38, 1-based): chr2:166,199,219, G>C on the plus strand (C>G on the coding strand, the complement: SCN9A is on the minus strand). VCF-style: chr2-166199219-G-C. GRCh37 (hg19) VCF-style: chr2-167055729-G-C.
Other names: c.5387C>G, p.Ala1796Gly (NM_002977.4); short protein forms A1796G, A1807G.
Identifiers: ClinVar variation 246589 (VCV000246589.2), dbSNP rs879254324, ClinGen allele CA10584157.

ClinVar aggregate classification (germline): Uncertain significance (1 of 4 stars; one submission).

Submission:

GeneDx
Classification: Uncertain significance. Last evaluated: 2016-05-24. Review status: criteria provided, single submitter. Criteria: GeneDx Variant Classification (06012015). Collection method: clinical testing. Allele origin: germline. Affected: yes.
Comment: The A1796G variant has not been published as a pathogenic variant, nor has it been reported as a benign variant to our knowledge. It was not observed in approximately 6500 individuals of European and African American ancestry in the NHLBI Exome Sequencing Project, indicating it is not a common benign variant in these populations. A1796G is a conservative amino acid substitution, which is not likely to impact secondary protein structure as these residues share similar properties. This substitution occurs at a position that is conserved in mammals, and in silico analysis is inconsistent in its predictions as to whether or not the variant is damaging to the protein structure/function. Therefore, based on the currently available information, it is unclear whether this variant is pathogenic or a rare benign variant.